The following is an entry in ClinVar:

NM_005188.4(CBL):c.1705_1707del (p.Pro569del)

Gene: CBL (Cbl proto-oncogene; plus strand). Cytogenetic location: 11q23.3.
Variant type: Deletion.
Coding change: c.1705_1707del on transcript NM_005188.4 (MANE Select); coding-DNA positions 1705 to 1707, 3 bases deleted (CCA; older notation c.1705_1707delCCA).
Protein change: p.Pro569del; deletes proline 569.
Molecular consequence: inframe deletion.
Genome position (GRCh38, 1-based): chr11:119,285,330-119,285,332, CCA deleted; deleting any 3 consecutive bases within chr11:119,285,328-119,285,332 gives the same sequence; the c. name uses the placement nearest the transcript's 3' end. VCF-style (leftmost placement, unchanged base first): chr11-119285327-ACAC-A. GRCh37 (hg19) VCF-style: chr11-119156037-ACAC-A.
Other names: c.1705_1707del (NM_005188.2); short protein forms P569del.
Identifiers: ClinVar variation 1696266 (VCV001696266.3), dbSNP rs2135310558, ClinGen allele CA2580083731.

ClinVar aggregate classification (germline): Uncertain significance. Review status: criteria provided, multiple submitters, no conflicts (2 of 4 stars). 3 submissions from 3 submitters: Uncertain significance (3). Last evaluated 2025-07-17.

Conditions:
CBL-related disorder. Also called: NOONAN SYNDROME-LIKE DISORDER WITHOUT JUVENILE MYELOMONOCYTIC LEUKEMIA; CBL MUTATION-ASSOCIATED SYNDROME; CBL SYNDROME. Identifiers: Orphanet 363972, MedGen C3150803, MONDO:0013308, OMIM 613563.

Submissions (3):

GeneDx
Classification: Uncertain significance. Last evaluated: 2025-07-17. Review status: criteria provided, single submitter. Criteria: GeneDx Variant Classification Process June 2021. Collection method: clinical testing. Allele origin: germline. Affected: yes.
Comment: Not observed at significant frequency in large population cohorts (gnomAD); In-frame deletion of 1 amino acid(s) in a non-repeat region; In silico analysis supports a deleterious effect on protein structure/function; Has not been previously published as pathogenic or benign to our knowledge; This variant is associated with the following publications: (PMID: 20619386)

3billion
Classification: Uncertain significance for CBL-related disorder. Last evaluated: 2025-07-09. Review status: criteria provided, single submitter. Criteria: ACMG Guidelines, 2015. Collection method: clinical testing. Allele origin: germline. Affected: yes.
Comment: The variant is not observed in the gnomAD v4.1.0 dataset. Predicted Consequence/Location: Inframe deletion located in a nonrepeat region: predicted to change the length of the protein and disrupt normal protein function. The variant has been reported as of uncertain significance (ClinVar ID: VCV001696266). Therefore, this variant is classified as VUS according to the recommendation of ACMG/AMP guideline.

Women's Health and Genetics/Laboratory Corporation of America, LabCorp
Classification: Uncertain significance. Last evaluated: 2022-05-31. Review status: criteria provided, single submitter. Criteria: LabCorp Variant Classification Summary - May 2015. Collection method: clinical testing. Allele origin: germline.
Comment: Variant summary: CBL c.1705_1707delCCA (p.Pro569del) results in an in-frame deletion that is predicted to remove 1 amino acid from the encoded protein. The variant was absent in 251460 control chromosomes (gnomAD). The available data on variant occurrences in the general population are insufficient to allow any conclusion about variant significance. To our knowledge, no occurrence of c.1705_1707delCCA in individuals affected with Noonan Syndrome And Related Conditions and no experimental evidence demonstrating its impact on protein function have been reported. No clinical diagnostic laboratories have submitted clinical-significance assessments for this variant to ClinVar after 2014. Based on the evidence outlined above, the variant was classified as uncertain significance.